The following is an entry in ClinVar:

ClinVar aggregate classification (germline): Pathogenic (1 of 4 stars; one submission).

Conditions:
Duchenne muscular dystrophy (DMD). Also called: Duchenne Muscular Dystrophy (DMD); MUSCULAR DYSTROPHY, PSEUDOHYPERTROPHIC PROGRESSIVE, DUCHENNE TYPE. Identifiers: Orphanet 98896, MedGen C0013264, MONDO:0010679, OMIM 310200.

Submission:

Labcorp Genetics (formerly Invitae), Labcorp
Classification: Pathogenic for Duchenne muscular dystrophy. Last evaluated: 2023-11-03. Review status: criteria provided, single submitter. Criteria: Invitae Variant Classification Sherloc (09022015). Collection method: clinical testing. Allele origin: germline.
Comment: This sequence change creates a premature translational stop signal (p.Ser1273Hisfs*10) in the DMD gene. It is expected to result in an absent or disrupted protein product. Loss-of-function variants in DMD are known to be pathogenic (PMID: 16770791, 25007885). This variant is not present in population databases (gnomAD no frequency). This variant has not been reported in the literature in individuals affected with DMD-related conditions. ClinVar contains an entry for this variant (Variation ID: 526098). For these reasons, this variant has been classified as Pathogenic.

Literature cited by the submitters: PubMed 16770791; PubMed 25007885.

NM_004006.3(DMD):c.3817del (p.Ser1273fs)

Gene: DMD (dystrophin; minus strand). Cytogenetic location: Xp21.1.
Variant type: Deletion.
Coding change: c.3817del on transcript NM_004006.3 (MANE Select); coding-DNA position 3817, one base deleted (T; older notation c.3817delT).
Protein change: p.Ser1273fs; shifts the reading frame from serine 1273.
Molecular consequence: frameshift variant.
Genome position (GRCh38, 1-based): chrX:32,441,284, A deleted on the plus strand (T on the coding strand, the reverse complement: DMD is on the minus strand). VCF-style (leftmost placement, unchanged base first): chrX-32441283-GA-G. GRCh37 (hg19) VCF-style: chrX-32459400-GA-G.
Other names: c.3817delT (NM_004006.2); c.3793del, p.Ser1265fs (NM_000109.4); c.3805del, p.Ser1269fs (NM_004009.3); c.3448del, p.Ser1150fs (NM_004010.3); short protein forms S1150fs, S1265fs, S1269fs, S1273fs.
Identifiers: ClinVar variation 526098 (VCV000526098.7), dbSNP rs1557359217, ClinGen allele CA658799663.
Genomic context (GRCh38, chrX:32,441,283, plus strand): 5'-TCAGTGGTTTTAAGTTTAAATTCTACTTCATTTAGCCACTTGTTTGCTTTCTCCAAGTAT[GA>G]CAATAACTCATGCCAACATGCCCAAACTTCCTAAGAAAGAAATATATATCACAGATTAAA-3'